The following is an entry in ClinVar:

NM_000057.4(BLM):c.1114C>A (p.Leu372Ile)

Gene: BLM (BLM RecQ like helicase; plus strand). Cytogenetic location: 15q26.1.
Variant type: single nucleotide variant.
Coding change: c.1114C>A on transcript NM_000057.4 (MANE Select); coding-DNA position 1114, C replaced by A.
Protein change: p.Leu372Ile; replaces leucine 372 with isoleucine.
Molecular consequence: missense variant. On other transcripts: 5 prime UTR variant (1).
Genome position (GRCh38, 1-based): chr15:90,760,173, C>A. VCF-style: chr15-90760173-C-A. GRCh37 (hg19) VCF-style: chr15-91303403-C-A.
Other names: c.1114C>A, p.Leu372Ile (NM_001287246.2, NM_001287247.2); c.-12C>A (NM_001287248.2); c.1114C>A (NM_000057.2); short protein forms L372I.
Identifiers: ClinVar variation 1034752 (VCV001034752.7), dbSNP rs1480729955, ClinGen allele CA393842340.

ClinVar aggregate classification (germline): Uncertain significance. Review status: criteria provided, multiple submitters, no conflicts (2 of 4 stars). 2 submissions from 2 submitters: Uncertain significance (2). Last evaluated 2024-11-15.

Conditions:
Hereditary cancer-predisposing syndrome. Also called: Hereditary neoplastic syndrome; Neoplastic Syndromes, Hereditary; Tumor predisposition; Hereditary Cancer Syndrome. Identifiers: Orphanet 140162, MedGen C0027672, MeSH D009386, MONDO:0015356.
Bloom syndrome (BLM). Also called: Bloom-Torre-Machacek syndrome. Identifiers: Orphanet 125, MedGen C0005859, MONDO:0008876, OMIM 210900.

gnomAD v4.1: 3 of 1,611,848 alleles (0.00019%); highest among the groups gnomAD compares: Non-Finnish European, 0.00025%; no homozygotes.

Submissions (2):

Ambry Genetics
Classification: Uncertain significance for Hereditary cancer-predisposing syndrome. Last evaluated: 2024-11-15. Review status: criteria provided, single submitter. Criteria: Ambry Variant Classification Scheme 2023. Collection method: clinical testing. Allele origin: germline.
Comment: The p.L372I variant (also known as c.1114C>A), located in coding exon 5 of the BLM gene, results from a C to A substitution at nucleotide position 1114. The leucine at codon 372 is replaced by isoleucine, an amino acid with highly similar properties. This amino acid position is conserved. In addition, the in silico prediction for this alteration is inconclusive. Based on the available evidence, the clinical significance of this variant remains unclear.

Labcorp Genetics (formerly Invitae), Labcorp
Classification: Uncertain significance for Bloom syndrome. Last evaluated: 2021-08-31. Review status: criteria provided, single submitter. Criteria: Invitae Variant Classification Sherloc (09022015). Collection method: clinical testing. Allele origin: germline.
Comment: This sequence change replaces leucine with isoleucine at codon 372 of the BLM protein (p.Leu372Ile). The leucine residue is moderately conserved and there is a small physicochemical difference between leucine and isoleucine. This variant is not present in population databases (ExAC no frequency). This variant has not been reported in the literature in individuals affected with BLM-related conditions. Algorithms developed to predict the effect of missense changes on protein structure and function are either unavailable or do not agree on the potential impact of this missense change (SIFT: "Tolerated"; PolyPhen-2: "Probably Damaging"; Align-GVGD: "Class C0"). In summary, the available evidence is currently insufficient to determine the role of this variant in disease. Therefore, it has been classified as a Variant of Uncertain Significance.